The following is an entry in ClinVar:

ClinVar aggregate classification (germline): Uncertain significance. Review status: criteria provided, multiple submitters, no conflicts (2 of 4 stars). 3 submissions from 3 submitters: Uncertain significance (3). Last evaluated 2026-07-24.

Conditions:
Optic atrophy 12. Also called: Optic Atrophy Type 12 (OPA12). Identifiers: MedGen C5436534, MONDO:0033549, OMIM 618977.

Allele frequency attached by ClinVar (database versions not stated): ExAC 0.00002; gnomAD exomes 0.00004 and 0.00016; TOPMed 0.00006; ESP Exome Variant Server 0.00008; gnomAD 0.00005.
gnomAD v4.1: 238 of 1,613,378 alleles (0.015%); highest among the groups gnomAD compares: Non-Finnish European, 0.019%; no homozygotes.

Submissions (3):

GeneDx
Classification: Uncertain significance. Last evaluated: 2026-07-24. Review status: criteria provided, single submitter. Criteria: GeneDx Variant Classification Process June 2021. Collection method: clinical testing. Allele origin: germline.
Comment: Not observed at significant frequency in large population cohorts (gnomAD); In silico analysis supports that this missense variant has a deleterious effect on protein structure/function; This variant is associated with the following publications: (PMID: 33841295, 38219528)

Women's Health and Genetics/Laboratory Corporation of America, LabCorp
Classification: Uncertain significance. Last evaluated: 2023-07-02. Review status: criteria provided, single submitter. Criteria: LabCorp Variant Classification Summary - May 2015. Collection method: clinical testing. Allele origin: germline.
Comment: Variant summary: AFG3L2 c.1762G>A (p.Ala588Thr) results in a non-conservative amino acid change located in the Peptidase M41 domain (IPR000642) of the encoded protein sequence. Five of five in-silico tools predict a damaging effect of the variant on protein function. The variant allele was found at a frequency of 4e-05 in 251408 control chromosomes (gnomAD). c.1762G>A has been reported in the literature in at-least one individual reportedly affected with Optic Neuropathy 1 (example: Charif_2021). These report(s) do not provide unequivocal conclusions about association of the variant with Spinocerebellar Ataxia Type 28. To our knowledge, no experimental evidence demonstrating an impact on protein function has been reported. The following publication has been ascertained in the context of this evaluation (PMID: 33841295). One submitter has cited clinical-significance assessments for this variant to ClinVar after 2014 and has classified the variant as uncertain significance. Based on the evidence outlined above, the variant was classified as uncertain significance.

Victorian Clinical Genetics Services, Murdoch Childrens Research Institute
Classification: Uncertain significance for Optic atrophy 12. Last evaluated: 2022-02-02. Review status: criteria provided, single submitter. Criteria: ACMG Guidelines, 2015. Collection method: clinical testing. Allele origin: germline. Inheritance: Autosomal dominant inheritance. Affected: yes.
Comment: Based on the classification scheme VCGS_Germline_v1.3.4, this variant is classified as VUS-3B. Following criteria are met: 0102 - Loss of function is a known mechanism of disease in this gene and is associated with autosomal recessive spastic ataxia 5 (MIM#614487); autosomal dominant optic atrophy and spinocerebellar ataxia 28 (MIM#610246) (PMIDs: 30910913, 32600459). (I) 0108 - This gene is associated with both recessive and dominant disease. Variants associated with autosomal dominant optic atrophy are mostly located within or close to the AAA domain, while most variants associated with autosomal dominant spinocerebellar ataxia 28, (MIM#610246) and autosomal recessive spastic ataxia 5 (MIM#614487) are located in the proteolytic domain (PMIDs: 32219868, 32548275). (I) 0112 - The condition associated with this gene has incomplete penetrance. It has been reported in a single family with optic atrophy 12 (MIM#618977), where the pathogenic missense was inherited from an unaffected father (PMID: 32219868). (I) 0200 - Variant is predicted to result in a missense amino acid change from alanine to threonine. (I) 0251 - This variant is heterozygous. (I) 0304 - Variant is present in gnomAD <0.01 (v2: 11 heterozygotes, 0 homozygotes). (SP) 0502 - Missense variant with conflicting in silico predictions and uninformative conservation. (I) 0600 - Variant is located in the annotated Peptidase domain (DECIPHER). (I) 0705 - No comparable missense variants have previous evidence for pathogenicity. (I) 0809 - Previous evidence of pathogenicity for this variant is inconclusive. It been classified as a variant of uncertain significance by a diagnostic laboratory in ClinVar. (I) 0905 - No published segregation evidence has been identified for this variant. (I) 1007 - No published functional evidence has been identified for this variant. (I) 1208 - Inheritance information for this variant is not currently available in this individual. (I) Legend: (SP) - Supporting pathogenic, (I) - Information, (SB) - Supporting benign

Literature cited by the submitters: PubMed 33841295 (cited by Women's Health and Genetics/Laboratory Corporation of America, LabCorp); PubMed 30910913 (cited by Victorian Clinical Genetics Services, Murdoch Childrens Research Institute); PubMed 32219868 (cited by Victorian Clinical Genetics Services, Murdoch Childrens Research Institute); PubMed 32548275 (cited by Victorian Clinical Genetics Services, Murdoch Childrens Research Institute); PubMed 32600459 (cited by Victorian Clinical Genetics Services, Murdoch Childrens Research Institute).

NM_006796.3(AFG3L2):c.1762G>A (p.Ala588Thr)

Gene: AFG3L2 (AFG3 like matrix AAA peptidase subunit 2; minus strand). Cytogenetic location: 18p11.21.
Variant type: single nucleotide variant.
Coding change: c.1762G>A on transcript NM_006796.3 (MANE Select); coding-DNA position 1762, G replaced by A.
Protein change: p.Ala588Thr; replaces alanine 588 with threonine.
Molecular consequence: missense variant.
Genome position (GRCh38, 1-based): chr18:12,344,149, C>T on the plus strand (G>A on the coding strand, the complement: AFG3L2 is on the minus strand). VCF-style: chr18-12344149-C-T. GRCh37 (hg19) VCF-style: chr18-12344148-C-T.
Other names: p.A588T:GCA>ACA; short protein forms A588T.
Identifiers: ClinVar variation 214054 (VCV000214054.6), dbSNP rs374828650, ClinGen allele CA321506.